The following is an entry in ClinVar:

NM_001079802.2(FKTN):c.290C>G (p.Ser97Cys)

Gene: FKTN (fukutin; plus strand). Cytogenetic location: 9q31.2.
Variant type: single nucleotide variant.
Coding change: c.290C>G on transcript NM_001079802.2 (MANE Select); coding-DNA position 290, C replaced by G.
Protein change: p.Ser97Cys; replaces serine 97 with cysteine.
Molecular consequence: missense variant. On other transcripts: 5 prime UTR variant (4), non-coding transcript variant (2).
Genome position (GRCh38, 1-based): chr9:105,601,269, C>G. VCF-style: chr9-105601269-C-G. GRCh37 (hg19) VCF-style: chr9-108363550-C-G.
Other names: c.290C>G, p.Ser97Cys (NM_001198963.2, NM_001351496.2, NM_001351498.2 and 1 more transcripts); c.221C>G, p.Ser74Cys (NM_001351497.2); c.-225C>G (NM_001351499.2, NM_001351500.2, NM_001351501.2 and 1 more transcripts); short protein forms S97C, S74C.
Identifiers: ClinVar variation 1797561 (VCV001797561.4), dbSNP rs1453857604, ClinGen allele CA374331671.

ClinVar aggregate classification (germline): Uncertain significance. Review status: criteria provided, multiple submitters, no conflicts (2 of 4 stars). 2 submissions from 2 submitters: Uncertain significance (2). Last evaluated 2024-08-27.

Conditions:
Cardiovascular phenotype. Identifiers: MedGen CN230736.
Walker-Warburg congenital muscular dystrophy. Also called: Muscular dystrophy-dystroglycanopathy, type A; Walker-Warburg syndrome. Identifiers: Orphanet 899, MedGen C0265221, MONDO:0000171.

Allele frequency attached by ClinVar (database versions not stated): gnomAD exomes below 0.00001; TOPMed below 0.00001.
gnomAD v4.1: 4 of 1,612,702 alleles (0.00025%); highest among the groups gnomAD compares: Non-Finnish European, 0.00034%; no homozygotes.

Submissions (2):

Labcorp Genetics (formerly Invitae), Labcorp
Classification: Uncertain significance for Walker-Warburg congenital muscular dystrophy. Last evaluated: 2024-08-27. Review status: criteria provided, single submitter. Criteria: Invitae Variant Classification Sherloc (09022015). Collection method: clinical testing. Allele origin: germline.
Comment: This sequence change replaces serine, which is neutral and polar, with cysteine, which is neutral and slightly polar, at codon 97 of the FKTN protein (p.Ser97Cys). This variant is not present in population databases (gnomAD no frequency). This variant has not been reported in the literature in individuals affected with FKTN-related conditions. ClinVar contains an entry for this variant (Variation ID: 1797561). Invitae Evidence Modeling of protein sequence and biophysical properties (such as structural, functional, and spatial information, amino acid conservation, physicochemical variation, residue mobility, and thermodynamic stability) indicates that this missense variant is not expected to disrupt FKTN protein function with a negative predictive value of 80%. In summary, the available evidence is currently insufficient to determine the role of this variant in disease. Therefore, it has been classified as a Variant of Uncertain Significance.

Ambry Genetics
Classification: Uncertain significance for Cardiovascular phenotype. Last evaluated: 2022-01-17. Review status: criteria provided, single submitter. Criteria: Ambry Variant Classification Scheme 2023. Collection method: clinical testing. Allele origin: germline.
Comment: The p.S97C variant (also known as c.290C>G), located in coding exon 3 of the FKTN gene, results from a C to G substitution at nucleotide position 290. The serine at codon 97 is replaced by cysteine, an amino acid with dissimilar properties. This amino acid position is conserved. In addition, this alteration is predicted to be tolerated by in silico analysis. Since supporting evidence is limited at this time, the clinical significance of this alteration remains unclear.